The following is an entry in ClinVar:

ClinVar aggregate classification (germline): Pathogenic (1 of 4 stars; one submission).

Submission:

GeneDx
Classification: Pathogenic. Last evaluated: 2017-03-10. Review status: criteria provided, single submitter. Criteria: GeneDx Variant Classification (06012015). Collection method: clinical testing. Allele origin: germline. Affected: yes.
Comment: The L114X variant in the EBF3 gene has not been reported previously as a pathogenic variant nor as a benign variant, to our knowledge. This variant is predicted to cause loss of normal protein function either through protein truncation or nonsense-mediated mRNA decay. The L114X variant is not observed in large population cohorts (Lek et al., 2016; 1000 Genomes Consortium et al., 2015; Exome Variant Server). We interpret L114X as a pathogenic variant.

NM_001375380.1(EBF3):c.341T>G (p.Leu114Ter)

Gene: EBF3 (EBF transcription factor 3; minus strand). Cytogenetic location: 10q26.3.
Variant type: single nucleotide variant.
Coding change: c.341T>G on transcript NM_001375380.1 (MANE Select); coding-DNA position 341, T replaced by G.
Protein change: p.Leu114Ter; replaces leucine 114 with a stop codon.
Molecular consequence: nonsense.
Genome position (GRCh38, 1-based): chr10:129,962,956, A>C on the plus strand (T>G on the coding strand, the complement: EBF3 is on the minus strand). VCF-style: chr10-129962956-A-C. GRCh37 (hg19) VCF-style: chr10-131761220-A-C.
Other names: c.341T>G, p.Leu114Ter (NM_001005463.3, NM_001375379.1, NM_001375389.1 and 3 more transcripts); short protein forms L114*.
Identifiers: ClinVar variation 424047 (VCV000424047.2), dbSNP rs1064796766, ClinGen allele CA16618942.